The following is an entry in ClinVar:

ClinVar aggregate classification (germline): Likely benign. Review status: criteria provided, multiple submitters, no conflicts (2 of 4 stars). 4 submissions from 4 submitters: Likely benign (4). Last evaluated 2025-11-06.

Conditions:
Familial thoracic aortic aneurysm and aortic dissection (TAAD). Also called: Thoracic aortic aneurysms and dissections. Identifiers: Orphanet 91387, MedGen C4707243, MONDO:0019625.
Aneurysm-osteoarthritis syndrome. Also called: ANEURYSMS-OSTEOARTHRITIS SYNDROME; Loeys-Dietz syndrome, type 1C; SMAD3-Related Loeys-Dietz Syndrome; LOEYS-DIETZ SYNDROME WITH OSTEOARTHRITIS. Identifiers: Orphanet 284984, MedGen C3151087, MONDO:0013426, OMIM 613795.

Allele frequency attached by ClinVar (database versions not stated): ExAC 0.00001; gnomAD 0.00001; gnomAD exomes 0.00001; TOPMed 0.00002; 1000 Genomes Project 0.00020; 1000 Genomes Project 30x 0.00031.
gnomAD v4.1: 13 of 1,614,226 alleles (0.00081%); highest among the groups gnomAD compares: East Asian, 0.0045%; no homozygotes.

Submissions (4):

Labcorp Genetics (formerly Invitae), Labcorp
Classification: Likely benign for Familial thoracic aortic aneurysm and aortic dissection. Last evaluated: 2025-11-06. Review status: criteria provided, single submitter. Criteria: Invitae Variant Classification Sherloc (09022015). Collection method: clinical testing. Allele origin: germline.

All of Us Research Program, National Institutes of Health
Classification: Likely benign for Aneurysm-osteoarthritis syndrome. Last evaluated: 2023-10-27. Review status: criteria provided, single submitter. Criteria: ACMG Guidelines, 2015. Collection method: clinical testing. Allele origin: germline. Inheritance: Autosomal dominant inheritance. Observed: 3 variant alleles, 3 heterozygotes.
Comment: This study involves interpretation of variants in research participants for the purpose of population health screening. Participant phenotype was not available at the time of variant classification. Additional details can be found in publication PMID: 35346344, PMCID: PMC8962531

Ambry Genetics
Classification: Likely benign for Familial thoracic aortic aneurysm and aortic dissection. Last evaluated: 2023-09-06. Review status: criteria provided, single submitter. Criteria: Ambry Variant Classification Scheme 2023. Collection method: clinical testing. Allele origin: germline.

Color Diagnostics, LLC DBA Color Health
Classification: Likely benign for Familial thoracic aortic aneurysm and aortic dissection. Last evaluated: 2020-12-08. Review status: criteria provided, single submitter. Criteria: ACMG Guidelines, 2015. Collection method: clinical testing. Allele origin: germline.

NM_005902.4(SMAD3):c.444C>T (p.Ala148=)

Gene: SMAD3 (SMAD family member 3; plus strand). Cytogenetic location: 15q22.33.
Variant type: single nucleotide variant.
Coding change: c.444C>T on transcript NM_005902.4 (MANE Select); coding-DNA position 444, C replaced by T.
Protein change: p.Ala148=; no amino-acid change (alanine 148 retained).
Molecular consequence: synonymous variant.
Genome position (GRCh38, 1-based): chr15:67,165,296, C>T. VCF-style: chr15-67165296-C-T. GRCh37 (hg19) VCF-style: chr15-67457634-C-T.
Other names: c.129C>T, p.Ala43= (NM_001145102.2); c.312C>T, p.Ala104= (NM_001145103.2).
Identifiers: ClinVar variation 1172454 (VCV001172454.13), dbSNP rs563100221, ClinGen allele CA062248.